The following is an entry in ClinVar:

ClinVar aggregate classification (germline): Uncertain significance (1 of 4 stars; one submission).

Conditions:
Fanconi anemia (FA). Also called: Fanconi's anemia. Identifiers: Orphanet 84, MedGen C0015625, MeSH D005199, MONDO:0019391.

Submission:

Labcorp Genetics (formerly Invitae), Labcorp
Classification: Uncertain significance for Fanconi anemia. Last evaluated: 2022-12-02. Review status: criteria provided, single submitter. Criteria: Invitae Variant Classification Sherloc (09022015). Collection method: clinical testing. Allele origin: germline.
Comment: This variant has not been reported in the literature in individuals affected with FANCF-related conditions. Advanced modeling of protein sequence and biophysical properties (such as structural, functional, and spatial information, amino acid conservation, physicochemical variation, residue mobility, and thermodynamic stability) performed at Invitae indicates that this missense variant is not expected to disrupt FANCF protein function. In summary, the available evidence is currently insufficient to determine the role of this variant in disease. Therefore, it has been classified as a Variant of Uncertain Significance. This variant is not present in population databases (gnomAD no frequency). This sequence change replaces cysteine, which is neutral and slightly polar, with arginine, which is basic and polar, at codon 332 of the FANCF protein (p.Cys332Arg).

NM_022725.4(FANCF):c.994T>C (p.Cys332Arg)

Genes: FANCF (FA complementation group F; minus strand), LOC130005443 (ATAC-STARR-seq lymphoblastoid active region 4533; plus strand). Cytogenetic location: 11p14.3.
Variant type: single nucleotide variant.
Coding change: c.994T>C on transcript NM_022725.4 (MANE Select); coding-DNA position 994, T replaced by C.
Protein change: p.Cys332Arg; replaces cysteine 332 with arginine.
Molecular consequence: missense variant.
Genome position (GRCh38, 1-based): chr11:22,624,817, A>G on the plus strand (T>C on the coding strand, the complement: FANCF is on the minus strand). VCF-style: chr11-22624817-A-G. GRCh37 (hg19) VCF-style: chr11-22646363-A-G.
Other names: short protein forms C332R.
Identifiers: ClinVar variation 2139815 (VCV002139815.4), dbSNP rs2133796337, ClinGen allele CA380057901.